The following is an entry in ClinVar:

ClinVar aggregate classification (germline): Uncertain significance (1 of 4 stars; one submission).

Submission:

Labcorp Genetics (formerly Invitae), Labcorp
Classification: Uncertain significance. Last evaluated: 2022-06-01. Review status: criteria provided, single submitter. Criteria: Invitae Variant Classification Sherloc (09022015). Collection method: clinical testing. Allele origin: germline.
Comment: This sequence change replaces glycine, which is neutral and non-polar, with glutamic acid, which is acidic and polar, at codon 272 of the TCIRG1 protein (p.Gly272Glu). This variant is not present in population databases (gnomAD no frequency). This variant has not been reported in the literature in individuals affected with TCIRG1-related conditions. Algorithms developed to predict the effect of missense changes on protein structure and function output the following: SIFT: "Tolerated"; PolyPhen-2: "Benign"; Align-GVGD: "Class C0". The glutamic acid amino acid residue is found in multiple mammalian species, which suggests that this missense change does not adversely affect protein function. In summary, the available evidence is currently insufficient to determine the role of this variant in disease. Therefore, it has been classified as a Variant of Uncertain Significance.

NM_006019.4(TCIRG1):c.815G>A (p.Gly272Glu)

Gene: TCIRG1 (T cell immune regulator 1, ATPase H+ transporting V0 subunit a3; plus strand). Cytogenetic location: 11q13.2.
Variant type: single nucleotide variant.
Coding change: c.815G>A on transcript NM_006019.4 (MANE Select); coding-DNA position 815, G replaced by A.
Protein change: p.Gly272Glu; replaces glycine 272 with glutamic acid.
Molecular consequence: missense variant. On other transcripts: 5 prime UTR variant (1).
Genome position (GRCh38, 1-based): chr11:68,044,139, G>A. VCF-style: chr11-68044139-G-A. GRCh37 (hg19) VCF-style: chr11-67811606-G-A.
Other names: c.-80G>A (NM_001351059.2); c.167G>A, p.Gly56Glu (NM_006053.4); short protein forms G56E, G272E.
Identifiers: ClinVar variation 2171869 (VCV002171869.1), dbSNP rs2495626762, ClinGen allele CA381579738.